The following is an entry in ClinVar:

NM_004655.4(AXIN2):c.1031A>C (p.Asn344Thr)

Gene: AXIN2 (axin 2; minus strand). Cytogenetic location: 17q24.1.
Variant type: single nucleotide variant.
Coding change: c.1031A>C on transcript NM_004655.4 (MANE Select); coding-DNA position 1031, A replaced by C.
Protein change: p.Asn344Thr; replaces asparagine 344 with threonine.
Molecular consequence: missense variant.
Genome position (GRCh38, 1-based): chr17:65,541,483, T>G on the plus strand (A>C on the coding strand, the complement: AXIN2 is on the minus strand). VCF-style: chr17-65541483-T-G. GRCh37 (hg19) VCF-style: chr17-63537601-T-G.
Other names: c.1031A>C, p.Asn344Thr (NM_001363813.1); short protein forms N344T.
Identifiers: ClinVar variation 1305547 (VCV001305547.4), dbSNP rs878854715, ClinGen allele CA400679171.

ClinVar aggregate classification (germline): Uncertain significance. Review status: criteria provided, multiple submitters, no conflicts (2 of 4 stars). 2 submissions from 2 submitters: Uncertain significance (2). Last evaluated 2020-08-26.

Conditions:
Hereditary cancer-predisposing syndrome. Also called: Tumor predisposition; Neoplastic Syndromes, Hereditary; Hereditary Cancer Syndrome; Hereditary neoplastic syndrome. Identifiers: Orphanet 140162, MedGen C0027672, MeSH D009386, MONDO:0015356.

Submissions (2):

Ambry Genetics
Classification: Uncertain significance for Hereditary cancer-predisposing syndrome. Last evaluated: 2020-08-26. Review status: criteria provided, single submitter. Criteria: Ambry Variant Classification Scheme 2023. Collection method: clinical testing. Allele origin: germline.
Comment: The p.N344T variant (also known as c.1031A>C), located in coding exon 3 of the AXIN2 gene, results from an A to C substitution at nucleotide position 1031. The asparagine at codon 344 is replaced by threonine, an amino acid with similar properties. This amino acid position is highly conserved in available vertebrate species. In addition, the in silico prediction for this alteration is inconclusive. Since supporting evidence is limited at this time, the clinical significance of this alteration remains unclear.

GeneDx
Classification: Uncertain significance. Last evaluated: 2019-04-26. Review status: criteria provided, single submitter. Criteria: GeneDx Variant Classification Process June 2021. Collection method: clinical testing. Allele origin: germline. Affected: yes.
Comment: Not observed in large population cohorts (Lek et al., 2016); Has not been previously published as pathogenic or benign to our knowledge